The following is an entry in ClinVar:

NM_004360.5(CDH1):c.1937C>G (p.Thr646Ser)

Gene: CDH1 (cadherin 1; plus strand). Cytogenetic location: 16q22.1.
Variant type: single nucleotide variant.
Coding change: c.1937C>G on transcript NM_004360.5 (MANE Select); coding-DNA position 1937, C replaced by G.
Protein change: p.Thr646Ser; replaces threonine 646 with serine.
Molecular consequence: missense variant. On other transcripts: 5 prime UTR variant (1).
Genome position (GRCh38, 1-based): chr16:68,823,399, C>G. VCF-style: chr16-68823399-C-G. GRCh37 (hg19) VCF-style: chr16-68857302-C-G.
Other names: c.1754C>G, p.Thr585Ser (NM_001317184.2); c.389C>G, p.Thr130Ser (NM_001317185.2); c.-29C>G (NM_001317186.2); short protein forms T130S, T585S, T646S.
Identifiers: ClinVar variation 864763 (VCV000864763.10), dbSNP rs1331707958, ClinGen allele CA396467498.

ClinVar aggregate classification (germline): Uncertain significance (1 of 4 stars; one submission).

Conditions:
Hereditary diffuse gastric adenocarcinoma (HDGC). Also called: DIFFUSE GASTRIC AND LOBULAR BREAST CANCER SYNDROME. Identifiers: Orphanet 26106, MedGen C1708349, MONDO:0007648, OMIM 137215.

Submission:

Labcorp Genetics (formerly Invitae), Labcorp
Classification: Uncertain significance for Hereditary diffuse gastric adenocarcinoma. Last evaluated: 2022-05-29. Review status: criteria provided, single submitter. Criteria: Invitae Variant Classification Sherloc (09022015). Collection method: clinical testing. Allele origin: germline.
Comment: This variant is not present in population databases (gnomAD no frequency). This variant has not been reported in the literature in individuals affected with CDH1-related conditions. ClinVar contains an entry for this variant (Variation ID: 864763). Algorithms developed to predict the effect of missense changes on protein structure and function (SIFT, PolyPhen-2, Align-GVGD) all suggest that this variant is likely to be tolerated. In summary, the available evidence is currently insufficient to determine the role of this variant in disease. Therefore, it has been classified as a Variant of Uncertain Significance. This sequence change replaces threonine, which is neutral and polar, with serine, which is neutral and polar, at codon 646 of the CDH1 protein (p.Thr646Ser).